The following is an entry in ClinVar:

ClinVar aggregate classification (germline): Pathogenic (1 of 4 stars; one submission).

Conditions:
Telangiectasia, hereditary hemorrhagic, type 2 (HHT2). Also called: ACVRL1-Related Hereditary Hemorrhagic Telangiectasia; Telangiectasia, hereditary hemorrhagic, type II. Identifiers: Orphanet 774, MedGen C1838163, MONDO:0010880, OMIM 600376. Disease mechanism: loss of function.

Submission:

Labcorp Genetics (formerly Invitae), Labcorp
Classification: Pathogenic for Telangiectasia, hereditary hemorrhagic, type 2. Last evaluated: 2023-10-18. Review status: criteria provided, single submitter. Criteria: Invitae Variant Classification Sherloc (09022015). Collection method: clinical testing. Allele origin: germline.
Comment: This sequence change replaces cysteine, which is neutral and slightly polar, with serine, which is neutral and polar, at codon 34 of the ACVRL1 protein (p.Cys34Ser). This variant is not present in population databases (gnomAD no frequency). This missense change has been observed in individual(s) with hereditary hemorrhagic telangiectasia (PMID: 32341592). Advanced modeling of protein sequence and biophysical properties (such as structural, functional, and spatial information, amino acid conservation, physicochemical variation, residue mobility, and thermodynamic stability) performed at Invitae indicates that this missense variant is expected to disrupt ACVRL1 protein function. This variant affects a cysteine residue located within the ACVRL1 protein ectodomain. Cysteine residues in this domain of ACVRL1 are involved in the formation of disulfide bridges critical for protein structure and stability (PMID: 22028876, 22718755, 22799562). In addition, missense substitutions within the ACVRL1 ectodomain affecting cysteine residues are overrepresented in patients with HHT (PMID: 20501893, 26176610 and an online resource). This variant disrupts the p.Cys34 amino acid residue in ACVRL1. Other variant(s) that disrupt this residue have been determined to be pathogenic (PMID: 16752392; Invitae). This suggests that this residue is clinically significant, and that variants that disrupt this residue are likely to be disease-causing. For these reasons, this variant has been classified as Pathogenic.

Literature cited by the submitters: PubMed 32341592; PubMed 22028876; PubMed 22718755; PubMed 22799562; PubMed 20501893; PubMed 26176610; PubMed 16752392.

NM_000020.3(ACVRL1):c.100T>A (p.Cys34Ser)

Gene: ACVRL1 (activin A receptor like type 1; plus strand). Cytogenetic location: 12q13.13.
Variant type: single nucleotide variant.
Coding change: c.100T>A on transcript NM_000020.3 (MANE Select); coding-DNA position 100, T replaced by A.
Protein change: p.Cys34Ser; replaces cysteine 34 with serine.
Molecular consequence: missense variant. On other transcripts: intron variant (1).
Genome position (GRCh38, 1-based): chr12:51,913,137, T>A. VCF-style: chr12-51913137-T-A. GRCh37 (hg19) VCF-style: chr12-52306921-T-A.
Other names: c.100T>A, p.Cys34Ser (NM_001077401.2, NM_001406487.1, NM_001406488.1 and 6 more transcripts); c.61+602T>A (NM_001406495.1); short protein forms C34S.
Identifiers: ClinVar variation 2982311 (VCV002982311.3), dbSNP rs2540158250, ClinGen allele CA384897503.
Genomic context (GRCh38, chr12:51,913,137, plus strand): 5'-GAGCTTCCGGTGTGTCTTCCAGGAGACCCTGTGAAGCCGTCTCGGGGCCCGCTGGTGACC[T>A]GCACGTGTGAGAGCCCACATTGCAAGGGGCCTACCTGCCGGGGGGCCTGGTGCACAGTAG-3'
Protein context (NP_000011.2, residues 24-44): VKPSRGPLVT[Cys34Ser]TCESPHCKGP